The following is an entry in ClinVar:

ClinVar aggregate classification (germline): Conflicting classifications of pathogenicity. Review status: criteria provided, conflicting classifications (1 of 4 stars). 2 submissions from 2 submitters: Uncertain significance (1); Benign (1). Last evaluated 2025-09-17.

Conditions:
Cardiovascular phenotype. Identifiers: MedGen CN230736.
Long QT syndrome (LQTS). Identifiers: MedGen C0023976, MeSH D008133, MONDO:0002442. Disease mechanism: loss of function. Inheritance: Various modes of inheritance.

Allele frequency attached by ClinVar (database versions not stated): gnomAD 0.00003; TOPMed 0.00004; ExAC 0.00005; gnomAD exomes 0.00006.
gnomAD v4.1: 174 of 1,613,854 alleles (0.011%); highest among the groups gnomAD compares: South Asian, 0.014%; no homozygotes.

Submissions (2):

Labcorp Genetics (formerly Invitae), Labcorp
Classification: Uncertain significance for Long QT syndrome. Last evaluated: 2025-09-17. Review status: criteria provided, single submitter. Criteria: Invitae Variant Classification Sherloc (09022015). Collection method: clinical testing. Allele origin: germline.
Comment: This sequence change replaces alanine, which is neutral and non-polar, with threonine, which is neutral and polar, at codon 3496 of the AKAP9 protein (p.Ala3496Thr). This variant is present in population databases (rs759219564, gnomAD 0.02%). This variant has not been reported in the literature in individuals affected with AKAP9-related conditions. ClinVar contains an entry for this variant (Variation ID: 937146). An algorithm developed to predict the effect of missense changes on protein structure and function outputs the following: PolyPhen-2: "Benign". The threonine amino acid residue is found in multiple mammalian species, which suggests that this missense change does not adversely affect protein function. In summary, the available evidence is currently insufficient to determine the role of this variant in disease. Therefore, it has been classified as a Variant of Uncertain Significance.

Ambry Genetics
Classification: Benign for Cardiovascular phenotype. Last evaluated: 2023-12-02. Review status: criteria provided, single submitter. Criteria: Ambry Variant Classification Scheme 2023. Collection method: clinical testing. Allele origin: germline.

NM_005751.5(AKAP9):c.10486G>A (p.Ala3496Thr)

Gene: AKAP9 (A-kinase anchoring protein 9; plus strand). Cytogenetic location: 7q21.2.
Variant type: single nucleotide variant.
Coding change: c.10486G>A on transcript NM_005751.5 (MANE Select); coding-DNA position 10486, G replaced by A.
Protein change: p.Ala3496Thr; replaces alanine 3496 with threonine.
Molecular consequence: missense variant.
Genome position (GRCh38, 1-based): chr7:92,097,673, G>A. VCF-style: chr7-92097673-G-A. GRCh37 (hg19) VCF-style: chr7-91726987-G-A.
Other names: c.5131G>A, p.Ala1711Thr (NM_001379277.1); c.10462G>A, p.Ala3488Thr (NM_147185.3); short protein forms A3488T, A1711T, A3496T.
Identifiers: ClinVar variation 937146 (VCV000937146.11), dbSNP rs759219564, ClinGen allele CA4337963.